The following is an entry in ClinVar:

ClinVar aggregate classification (germline): Uncertain significance (1 of 4 stars; one submission).

Conditions:
Autosomal dominant limb-girdle muscular dystrophy type 1F (LGMDD2). Also called: Limb-girdle muscular dystrophy, type 1F; MUSCULAR DYSTROPHY, LIMB-GIRDLE, AUTOSOMAL DOMINANT 2. Identifiers: Orphanet 55595, MedGen C1842062, MONDO:0012034, OMIM 608423.

Submission:

Labcorp Genetics (formerly Invitae), Labcorp
Classification: Uncertain significance for Autosomal dominant limb-girdle muscular dystrophy type 1F. Last evaluated: 2025-02-10. Review status: criteria provided, single submitter. Criteria: Invitae Variant Classification Sherloc (09022015). Collection method: clinical testing. Allele origin: germline.
Comment: This sequence change replaces phenylalanine, which is neutral and non-polar, with leucine, which is neutral and non-polar, at codon 32 of the TNPO3 protein (p.Phe32Leu). This variant is not present in population databases (gnomAD no frequency). This variant has not been reported in the literature in individuals affected with TNPO3-related conditions. Invitae Evidence Modeling of protein sequence and biophysical properties (such as structural, functional, and spatial information, amino acid conservation, physicochemical variation, residue mobility, and thermodynamic stability) indicates that this missense variant is not expected to disrupt TNPO3 protein function with a negative predictive value of 80%. In summary, the available evidence is currently insufficient to determine the role of this variant in disease. Therefore, it has been classified as a Variant of Uncertain Significance.

NM_012470.4(TNPO3):c.96T>A (p.Phe32Leu)

Genes: TNPO3 (transportin 3; minus strand), LOC129999289 (ATAC-STARR-seq lymphoblastoid active region 26616; plus strand). Cytogenetic location: 7q32.1.
Variant type: single nucleotide variant.
Coding change: c.96T>A on transcript NM_012470.4 (MANE Select); coding-DNA position 96, T replaced by A.
Protein change: p.Phe32Leu; replaces phenylalanine 32 with leucine.
Molecular consequence: missense variant. On other transcripts: non-coding transcript variant (18).
Genome position (GRCh38, 1-based): chr7:129,054,675, A>T on the plus strand (T>A on the coding strand, the complement: TNPO3 is on the minus strand). VCF-style: chr7-129054675-A-T. GRCh37 (hg19) VCF-style: chr7-128694729-A-T.
Other names: c.96T>A, p.Phe32Leu (NM_001191028.3, NM_001382216.1, NM_001382217.1 and 6 more transcripts); short protein forms F32L.
Identifiers: ClinVar variation 3654260 (VCV003654260.2).
Genomic context (GRCh38, chr7:129,054,675, plus strand): 5'-CCGTGCGGCACAGAACTGCCTCTCTGGGCCCCTCACCGAACGCTGCAGCTCCCCAAGCCA[A>T]AAAGAGGCGCGCTCCTTTCCGCTGGGATCTGGGTCGTGGTAAAGCGCCTGCACTGCCTGG-3'
Protein context (NP_036602.1, residues 22-42): PDPSGKERAS[Phe32Leu]WLGELQRSVH